The following is an entry in ClinVar:

NM_000321.3(RB1):c.1309G>A (p.Gly437Ser)

Gene: RB1 (RB transcriptional corepressor 1; plus strand). Cytogenetic location: 13q14.2.
Variant type: single nucleotide variant.
Coding change: c.1309G>A on transcript NM_000321.3 (MANE Select); coding-DNA position 1309, G replaced by A.
Protein change: p.Gly437Ser; replaces glycine 437 with serine.
Molecular consequence: missense variant.
Genome position (GRCh38, 1-based): chr13:48,377,011, G>A. VCF-style: chr13-48377011-G-A. GRCh37 (hg19) VCF-style: chr13-48951147-G-A.
Other names: c.1309G>A, p.Gly437Ser (NM_001407165.1, NM_001407166.1); short protein forms G437S.
Identifiers: ClinVar variation 4151210 (VCV004151210.1).

ClinVar aggregate classification (germline): Uncertain significance (1 of 4 stars; one submission).

Conditions:
Hereditary cancer-predisposing syndrome. Also called: Neoplastic Syndromes, Hereditary; Tumor predisposition; Hereditary Cancer Syndrome; Hereditary neoplastic syndrome. Identifiers: Orphanet 140162, MedGen C0027672, MeSH D009386, MONDO:0015356.

gnomAD v4.1: 1 of 1,613,744 alleles (0.000062%); highest among the groups gnomAD compares: Middle Eastern, 0.017%; no homozygotes.

Submission:

Ambry Genetics
Classification: Uncertain significance for Hereditary cancer-predisposing syndrome. Last evaluated: 2025-08-12. Review status: criteria provided, single submitter. Criteria: Ambry Variant Classification Scheme 2023. Collection method: clinical testing. Allele origin: germline.
Comment: The p.G437S variant (also known as c.1309G>A), located in coding exon 13 of the RB1 gene, results from a G to A substitution at nucleotide position 1309. The glycine at codon 437 is replaced by serine, an amino acid with similar properties. This amino acid position is conserved. In addition, the in silico prediction for this alteration is inconclusive. Based on the available evidence, the clinical significance of this variant remains unclear.